The following is an entry in ClinVar:

NM_133171.5(ELMO2):c.1307C>T (p.Pro436Leu)

Gene: ELMO2 (engulfment and cell motility 2; minus strand). Cytogenetic location: 20q13.12.
Variant type: single nucleotide variant.
Coding change: c.1307C>T on transcript NM_133171.5 (MANE Select); coding-DNA position 1307, C replaced by T.
Protein change: p.Pro436Leu; replaces proline 436 with leucine.
Molecular consequence: missense variant.
Genome position (GRCh38, 1-based): chr20:46,373,508, G>A on the plus strand (C>T on the coding strand, the complement: ELMO2 is on the minus strand). VCF-style: chr20-46373508-G-A. GRCh37 (hg19) VCF-style: chr20-45002147-G-A.
Other names: c.1043C>T, p.Pro348Leu (NM_001318253.2); c.1307C>T, p.Pro436Leu (NM_182764.3); short protein forms P436L, P348L.
Identifiers: ClinVar variation 4974641 (VCV004974641.1).

ClinVar aggregate classification (germline): Uncertain significance (1 of 4 stars; one submission).

Conditions:
Primary intraosseous venous malformation. Also called: HEMANGIOMA, INTRAOSSEOUS; VASCULAR MALFORMATION OSSEOUS; Vascular malformation, primary intraosseous. Identifiers: Orphanet 140436, MedGen C1847197, MONDO:0011744, OMIM 606893.

gnomAD v4.1: 2 of 1,614,138 alleles (0.00012%); highest among the groups gnomAD compares: East Asian, 0.0022%; no homozygotes.

Submission:

Clinical Genomics Laboratory, Washington University in St. Louis
Classification: Uncertain significance for Primary intraosseous venous malformation. Last evaluated: 2026-03-26. Review status: criteria provided, single submitter. Criteria: ACMG Guidelines, 2015. Collection method: clinical testing. Allele origin: germline.
Comment: An ELMO2 c.1307C>T (p.Pro436Leu) variant was identified at a near heterozygous allelic fraction of 47%, a frequency which may be consistent with it being of germline origin. The ELMO2 c.1307C>T (p.Pro436Leu) variant, to our knowledge, has not been reported in the medical literature. This variant is only observed in 2/1,614,138 alleles in the general population (gnomAD v4.1.0), indicating it is not a common variant. Computational predictors indicate that the variant is damaging, evidence that correlates with impact to ELMO2 function. Due to limited information, and based on ACMG/AMP guidelines for variant interpretation (Richards S et al., PMID: 25741868), the clinical significance of this variant is uncertain at this time.